The following is an entry in ClinVar:

ClinVar aggregate classification (germline): Likely benign. Review status: criteria provided, multiple submitters, no conflicts (2 of 4 stars). 3 submissions from 3 submitters: Likely benign (3). Last evaluated 2026-09-01.

Allele frequency attached by ClinVar (database versions not stated): TOPMed below 0.00001; ExAC 0.00002; gnomAD exomes 0.00002.
gnomAD v4.1: 19 of 1,612,948 alleles (0.0012%); highest among the groups gnomAD compares: Middle Eastern, 0.036%; no homozygotes.

Submissions (3):

CeGaT Center for Human Genetics Tuebingen
Classification: Likely benign. Last evaluated: 2026-09-01. Review status: criteria provided, single submitter. Criteria: CeGaT Center For Human Genetics Tuebingen Variant Classification Criteria Version 2. Collection method: clinical testing. Allele origin: germline. Affected: yes. Observed: 1 variant allele.
Comment: CNGA3: BP4, BP7

Labcorp Genetics (formerly Invitae), Labcorp
Classification: Likely benign. Last evaluated: 2025-08-10. Review status: criteria provided, single submitter. Criteria: Invitae Variant Classification Sherloc (09022015). Collection method: clinical testing. Allele origin: germline.

Blueprint Genetics
Classification: Likely benign. Last evaluated: 2021-03-05. Review status: criteria provided, single submitter. Criteria: ACMG Guidelines, 2015. Collection method: clinical testing. Allele origin: germline.

NM_001298.3(CNGA3):c.105C>G (p.Ala35=)

Gene: CNGA3 (cyclic nucleotide gated channel subunit alpha 3; plus strand). Cytogenetic location: 2q11.2.
Variant type: single nucleotide variant.
Coding change: c.105C>G on transcript NM_001298.3 (MANE Select); coding-DNA position 105, C replaced by G.
Protein change: p.Ala35=; no amino-acid change (alanine 35 retained).
Molecular consequence: synonymous variant.
Genome position (GRCh38, 1-based): chr2:98,377,690, C>G. VCF-style: chr2-98377690-C-G. GRCh37 (hg19) VCF-style: chr2-98994153-C-G.
Other names: c.105C>G, p.Ala35= (NM_001079878.2).
Identifiers: ClinVar variation 1123729 (VCV001123729.11), dbSNP rs759618030, ClinGen allele CA1793576.
Genomic context (GRCh38, chr2:98,377,690, plus strand): 5'-TCCAGGAGGTAGATGGGCTTGAAATCAATTCTGCTTGCTGCATATCTGATTTCCTAGAGC[C>G]CACTCGTCAAGTGAGGAGACATCGTCAGTGCTGCAGCCGGGGATCGCCATGGAGACCAGA-3'
Protein context (NP_001289.1, residues 25-45): LNRAENGLSR[Ala35=]HSSSEETSSV